The following is an entry in ClinVar:

NM_000027.4(AGA):c.940+1G>T

Gene: AGA (aspartylglucosaminidase; minus strand). Cytogenetic location: 4q34.3.
Variant type: single nucleotide variant.
Coding change: c.940+1G>T on transcript NM_000027.4 (MANE Select); the canonical splice donor site of the intron after coding-DNA position 940, G replaced by T.
Molecular consequence: splice donor variant.
Genome position (GRCh38, 1-based): chr4:177,433,213, C>A on the plus strand (G>T on the coding strand, the complement: AGA is on the minus strand). VCF-style: chr4-177433213-C-A. GRCh37 (hg19) VCF-style: chr4-178354367-C-A.
Other names: IVS8DS, G-T, +1; c.940+1G>T (NM_000027.3); c.910+1G>T (NM_001171988.2).
Identifiers: ClinVar variation 227 (VCV000000227.13), dbSNP rs386833437, ClinGen allele CA212728.
Genomic context (GRCh38, chr4:177,433,213, plus strand): 5'-AAGTGTATGTTTTAGAAATATTTGGAAGTTCACACAAATACAAAATCCAAACACAACTTA[C>A]CGTAACTTCCAGTCACATTGGCACATATAACAGCCCCAAAGAATTCTGGAAAATGCTTCT-3'

ClinVar aggregate classification (germline): Pathogenic/Likely pathogenic. Review status: criteria provided, multiple submitters, no conflicts (2 of 4 stars). 7 submissions from 7 submitters: Pathogenic (3); Likely pathogenic (1). 3 of the submissions do not count toward it. Last evaluated 2025-10-09.

Conditions:
Aspartylglucosaminuria (AGU). Also called: AGA DEFICIENCY; Aspartylglucos-aminuria; Aspartylglucos-amidase (AGA) deficiency; GLYCOASPARAGINASE; GLYCOSYLASPARAGINASE DEFICIENCY. Identifiers: Orphanet 93, MedGen C0268225, MONDO:0008830, OMIM 208400, HP:0012068.

Allele frequency attached by ClinVar (database versions not stated): gnomAD 0.00001; gnomAD exomes 0.00001; ExAC 0.00001; TOPMed 0.00002.
gnomAD v4.1: 5 of 1,613,916 alleles (0.00031%); highest among the groups gnomAD compares: African/African-American, 0.0053%; no homozygotes.

Submissions (7):

Natera, Inc.
Classification: Likely pathogenic for Aspartylglucosaminuria. Last evaluated: 2025-10-09. Review status: criteria provided, single submitter. Criteria: Natera Variant Classification Schema (03/2026). Collection method: clinical testing. Allele origin: germline.
Comment: The c.940+1G>T variant in AGA is a canonical splice donor site variant predicted to affect pre-mRNA splicing, which may result in an abnormal transcript and altered protein product. This variant is expected to result in nonsense mediated decay, truncation, or a dysfunctional protein product. This variant is rare in the general population with a frequency below the threshold expected for the associated phenotype(s). This variant has been observed in one or more individuals affected with the associated recessive disease, as either homozygous or compound heterozygous with a second variant (PMID: 1879549). Functional studies show that this variant may disrupt protein function (PMID: 1879549). Given the available evidence, this variant is classified as Likely Pathogenic.

Women's Health and Genetics/Laboratory Corporation of America, LabCorp
Classification: Pathogenic for Aspartylglucosaminuria. Last evaluated: 2025-05-07. Review status: criteria provided, single submitter. Criteria: LabCorp Variant Classification Summary - May 2015. Collection method: clinical testing. Allele origin: germline.
Comment: Variant summary: AGA c.940+1G>T is located in a canonical splice-site and is predicted to affect mRNA splicing resulting in a significantly altered protein due to either exon skipping, shortening, or inclusion of intronic material. Variants that disrupt the consensus splice site are a relatively common cause of aberrant splicing and loss of AGA function. Several computational tools predict a significant impact on normal splicing: Four predict the variant abolishes a 5' splicing donor site. At least one publication reports experimental evidence that this variant results in exon 8 skipping leading to disruption of the open reading frame and a premature termination codon, confirmed by cDNA sequencing (Fisher_1991). The variant allele was found at a frequency of 8e-06 in 251388 control chromosomes. c.940+1G>T has been observed in at least one homozygous individual affected with Aspartylglucosaminuria (e.g. Fisher_1991). These data indicate that the variant may be associated with disease. The following publication has been ascertained in the context of this evaluation (PMID: 1879549). ClinVar contains an entry for this variant (Variation ID: 227). Based on the evidence outlined above, the variant was classified as pathogenic.

Labcorp Genetics (formerly Invitae), Labcorp
Classification: Pathogenic for Aspartylglucosaminuria. Last evaluated: 2024-03-26. Review status: criteria provided, single submitter. Criteria: Invitae Variant Classification Sherloc (09022015). Collection method: clinical testing. Allele origin: germline.
Comment: This sequence change affects a donor splice site in intron 8 of the AGA gene. RNA analysis indicates that disruption of this splice site induces altered splicing and likely disrupts the C-terminus of the protein. This variant is present in population databases (rs386833437, gnomAD 0.01%). Disruption of this splice site has been observed in individual(s) with aspartylglucosaminuria (PMID: 1722323, 1879549). ClinVar contains an entry for this variant (Variation ID: 227). Algorithms developed to predict the effect of variants on protein structure and function are not available or were not evaluated for this variant. Experimental studies have shown that disruption of this splice site affects AGA function (PMID: 1879549). Variants that disrupt the consensus splice site are a relatively common cause of aberrant splicing (PMID: 17576681, 9536098). Studies have shown that disruption of this splice site results in skipping of exon 8 and introduces a new termination codon (PMID: 1879549). However the mRNA is not expected to undergo nonsense-mediated decay. For these reasons, this variant has been classified as Pathogenic.

Fulgent Genetics
Classification: Pathogenic for Aspartylglucosaminuria. Last evaluated: 2024-03-04. Review status: criteria provided, single submitter. Criteria: ACMG Guidelines, 2015. Collection method: clinical testing. Allele origin: germline.

Counsyl
Classification: Likely pathogenic for Aspartylglycosaminuria. Last evaluated: 2014-10-21. Review status: no assertion criteria provided. Collection method: literature only. Allele origin: unknown. Inheritance: Autosomal recessive inheritance. Not counted in ClinVar's aggregate classification.

OMIM
Classification: Pathogenic for ASPARTYLGLUCOSAMINURIA. Last evaluated: 1991-12-15. Review status: no assertion criteria provided. Collection method: literature only. Allele origin: germline. Not counted in ClinVar's aggregate classification.

Juha Muilu Group; Institute for Molecular Medicine Finland (FIMM)
Classification: Likely pathogenic for Aspartylglycosaminuria. Review status: no assertion criteria provided. Collection method: not provided. Allele origin: unknown. Not counted in ClinVar's aggregate classification.
Comment: FinDis database variant: This variant was not found or characterized by our laboratory, data were collected from public sources: see reference
ClinVar note: Converted during submission from probable-pathogenic to Likely pathogenic.

Literature cited by the submitters: PubMed 1879549 (cited by 4 submitters); PubMed 1722323 (cited by Labcorp Genetics (formerly Invitae), Labcorp and OMIM); PubMed 17576681 (cited by Labcorp Genetics (formerly Invitae), Labcorp); PubMed 9536098 (cited by Labcorp Genetics (formerly Invitae), Labcorp); PubMed 1904874 (cited by Counsyl); PubMed 6883788 (cited by OMIM).